The following is an entry in ClinVar:

ClinVar aggregate classification (germline): Uncertain significance. Review status: criteria provided, multiple submitters, no conflicts (2 of 4 stars). 2 submissions from 2 submitters: Uncertain significance (2). Last evaluated 2024-01-08.

Conditions:
Kleefstra syndrome 1 (KLEFS1). Identifiers: Orphanet 261494, MedGen C0795833, MONDO:0027407, OMIM 610253.

gnomAD v4.1: 4 of 1,611,554 alleles (0.00025%); highest among the groups gnomAD compares: Non-Finnish European, 0.00034%; no homozygotes.

Submissions (2):

Labcorp Genetics (formerly Invitae), Labcorp
Classification: Uncertain significance for Kleefstra syndrome 1. Last evaluated: 2024-01-08. Review status: criteria provided, single submitter. Criteria: Invitae Variant Classification Sherloc (09022015). Collection method: clinical testing. Allele origin: germline.
Comment: This sequence change replaces valine, which is neutral and non-polar, with leucine, which is neutral and non-polar, at codon 786 of the EHMT1 protein (p.Val786Leu). This variant is present in population databases (rs398124405, gnomAD 0.0009%). This variant has not been reported in the literature in individuals affected with EHMT1-related conditions. ClinVar contains an entry for this variant (Variation ID: 96148). Advanced modeling of protein sequence and biophysical properties (such as structural, functional, and spatial information, amino acid conservation, physicochemical variation, residue mobility, and thermodynamic stability) performed at Invitae indicates that this missense variant is not expected to disrupt EHMT1 protein function with a negative predictive value of 80%. In summary, the available evidence is currently insufficient to determine the role of this variant in disease. Therefore, it has been classified as a Variant of Uncertain Significance.

Eurofins Ntd Llc (ga)
Classification: Uncertain significance. Last evaluated: 2013-03-28. Review status: criteria provided, single submitter. Criteria: EGL Classification Definitions 2015. Collection method: clinical testing. Allele origin: germline. Observed: 1 variant allele, 1 heterozygote.

NM_024757.5(EHMT1):c.2356G>C (p.Val786Leu)

Gene: EHMT1 (euchromatic histone lysine methyltransferase 1; plus strand). Cytogenetic location: 9q34.3.
Variant type: single nucleotide variant.
Coding change: c.2356G>C on transcript NM_024757.5 (MANE Select); coding-DNA position 2356, G replaced by C.
Protein change: p.Val786Leu; replaces valine 786 with leucine.
Molecular consequence: missense variant.
Genome position (GRCh38, 1-based): chr9:137,782,371, G>C. VCF-style: chr9-137782371-G-C. GRCh37 (hg19) VCF-style: chr9-140676823-G-C.
Other names: c.2356G>C, p.Val786Leu (NM_001145527.2); c.2263G>C, p.Val755Leu (NM_001354259.2); c.2335G>C, p.Val779Leu (NM_001354263.2); short protein forms V786L, V779L, V755L.
Identifiers: ClinVar variation 96148 (VCV000096148.9), dbSNP rs398124405, ClinGen allele CA223768.